The following is an entry in ClinVar:

ClinVar aggregate classification (germline): Pathogenic. Review status: criteria provided, multiple submitters, no conflicts (2 of 4 stars). 2 submissions from 2 submitters: Pathogenic (2). Last evaluated 2024-12-19.

Conditions:
Familial adenomatous polyposis 4 (FAP4). Also called: MSH3-related attenuated familial adenomatous polyposis. Identifiers: Orphanet 480536, MedGen C4310719, MONDO:0044300, OMIM 617100.
Hereditary cancer-predisposing syndrome. Also called: Hereditary Cancer Syndrome; Tumor predisposition; Hereditary neoplastic syndrome; Neoplastic Syndromes, Hereditary. Identifiers: Orphanet 140162, MedGen C0027672, MeSH D009386, MONDO:0015356.

Submissions (2):

Myriad Genetics, Inc.
Classification: Pathogenic for Familial adenomatous polyposis 4. Last evaluated: 2024-12-19. Review status: criteria provided, single submitter. Criteria: Myriad Autosomal Dominant, Autosomal Recessive and X-Linked Classification Criteria (2023). Collection method: clinical testing. Allele origin: unknown.
Comment: This variant is considered pathogenic. This variant creates a frameshift predicted to result in premature protein truncation.

Ambry Genetics
Classification: Pathogenic for Hereditary cancer-predisposing syndrome. Last evaluated: 2024-11-14. Review status: criteria provided, single submitter. Criteria: Ambry Variant Classification Scheme 2023. Collection method: clinical testing. Allele origin: germline.
Comment: The c.2621delA pathogenic mutation, located in coding exon 19 of the MSH3 gene, results from a deletion of one nucleotide at nucleotide position 2621, causing a translational frameshift with a predicted alternate stop codon (p.Q874Rfs*18). This variant is considered to be rare based on population cohorts in the Genome Aggregation Database (gnomAD). This alteration is expected to result in loss of function by premature protein truncation or nonsense-mediated mRNA decay. As such, this alteration is interpreted as a disease-causing mutation.

NM_002439.5(MSH3):c.2621del (p.Gln874fs)

Gene: MSH3 (mutS homolog 3; plus strand). Cytogenetic location: 5q14.1.
Variant type: Deletion.
Coding change: c.2621del on transcript NM_002439.5 (MANE Select); coding-DNA position 2621, one base deleted (A; older notation c.2621delA).
Protein change: p.Gln874fs; shifts the reading frame from glutamine 874.
Molecular consequence: frameshift variant.
Genome position (GRCh38, 1-based): chr5:80,792,810, A deleted. VCF-style (leftmost placement, unchanged base first): chr5-80792809-CA-C. GRCh37 (hg19) VCF-style: chr5-80088628-CA-C.
Other names: short protein forms Q874fs.
Identifiers: ClinVar variation 3398754 (VCV003398754.2).